The following is an entry in ClinVar:

ClinVar aggregate classification (germline): Uncertain significance. Review status: criteria provided, multiple submitters, no conflicts (2 of 4 stars). 3 submissions from 3 submitters: Uncertain significance (3). Last evaluated 2024-08-16.

Conditions:
Thrombomodulin-related bleeding disorder (THPH12). Also called: Thrombophilia due to thrombomodulin defect. Identifiers: Orphanet 436169, MedGen C3280976, MONDO:0013775, OMIM 614486.
Atypical hemolytic-uremic syndrome with thrombomodulin anomaly. Also called: HEMOLYTIC UREMIC SYNDROME, ATYPICAL, SUSCEPTIBILITY TO, 6; AHUS, SUSCEPTIBILITY TO, 6. Identifiers: MedGen C2752036, MONDO:0013044, OMIM 612926. Disease mechanism: gain of function.

Allele frequency attached by ClinVar (database versions not stated): TOPMed below 0.00001; gnomAD exomes 0.00001.

Submissions (3):

Blueprint Genetics
Classification: Uncertain significance. Last evaluated: 2024-08-16. Review status: criteria provided, single submitter. Criteria: ACMG Guidelines, 2015. Collection method: clinical testing. Allele origin: germline.

Fulgent Genetics
Classification: Uncertain significance for Atypical hemolytic-uremic syndrome with thrombomodulin anomaly; Thrombomodulin-related bleeding disorder. Last evaluated: 2024-05-30. Review status: criteria provided, single submitter. Criteria: ACMG Guidelines, 2015. Collection method: clinical testing. Allele origin: germline.

Labcorp Genetics (formerly Invitae), Labcorp
Classification: Uncertain significance. Last evaluated: 2023-12-25. Review status: criteria provided, single submitter. Criteria: Invitae Variant Classification Sherloc (09022015). Collection method: clinical testing. Allele origin: germline.
Comment: This sequence change replaces alanine, which is neutral and non-polar, with threonine, which is neutral and polar, at codon 545 of the THBD protein (p.Ala545Thr). The frequency data for this variant in the population databases is considered unreliable, as metrics indicate poor data quality at this position in the gnomAD database. This variant has not been reported in the literature in individuals affected with THBD-related conditions. ClinVar contains an entry for this variant (Variation ID: 1897651). Advanced modeling of protein sequence and biophysical properties (such as structural, functional, and spatial information, amino acid conservation, physicochemical variation, residue mobility, and thermodynamic stability) performed at Invitae indicates that this missense variant is not expected to disrupt THBD protein function with a negative predictive value of 80%. In summary, the available evidence is currently insufficient to determine the role of this variant in disease. Therefore, it has been classified as a Variant of Uncertain Significance.

NM_000361.3(THBD):c.1633G>A (p.Ala545Thr)

Gene: THBD (thrombomodulin; minus strand). Cytogenetic location: 20p11.21.
Variant type: single nucleotide variant.
Coding change: c.1633G>A on transcript NM_000361.3 (MANE Select); coding-DNA position 1633, G replaced by A.
Protein change: p.Ala545Thr; replaces alanine 545 with threonine.
Molecular consequence: missense variant.
Genome position (GRCh38, 1-based): chr20:23,047,872, C>T on the plus strand (G>A on the coding strand, the complement: THBD is on the minus strand). VCF-style: chr20-23047872-C-T. GRCh37 (hg19) VCF-style: chr20-23028509-C-T.
Other names: short protein forms A545T.
Identifiers: ClinVar variation 1897651 (VCV001897651.7), dbSNP rs1485310664, ClinGen allele CA408405130.